The following is an entry in ClinVar:

ClinVar aggregate classification (germline): Conflicting classifications of pathogenicity. Review status: criteria provided, conflicting classifications (1 of 4 stars). 4 submissions from 4 submitters: Uncertain significance (1); Likely benign (2). 1 of the submissions does not count toward it. Last evaluated 2025-12-06.

Conditions:
LMAN1-related disorder. Also called: LMAN1-related condition.
Factor V and factor VIII, combined deficiency of, type 1. Also called: MULTIPLE COAGULATION FACTOR DEFICIENCY I; FMFD I; FAMILIAL MULTIPLE COAGULATION FACTOR DEFICIENCY I; Combined factor V and VIII deficiency. Identifiers: Orphanet 35909, MedGen C4551981, MONDO:0009206, OMIM 227300.

Allele frequency attached by ClinVar (database versions not stated): 1000 Genomes Project 0.00020; 1000 Genomes Project 30x 0.00031; ExAC 0.00039; gnomAD exomes 0.00046 and 0.00126; gnomAD 0.00059 and 0.00061; TOPMed 0.00060; ESP Exome Variant Server 0.00085.
gnomAD v4.1: 1,950 of 1,612,822 alleles (0.12%); highest among the groups gnomAD compares: Non-Finnish European, 0.16%; 4 homozygotes.

Submissions (4):

Labcorp Genetics (formerly Invitae), Labcorp
Classification: Likely benign. Last evaluated: 2025-12-06. Review status: criteria provided, single submitter. Criteria: Invitae Variant Classification Sherloc (09022015). Collection method: clinical testing. Allele origin: germline.

Mayo Clinic Laboratories, Mayo Clinic
Classification: Likely benign. Last evaluated: 2024-02-07. Review status: criteria provided, single submitter. Criteria: ACMG Guidelines, 2015. Collection method: clinical testing. Allele origin: germline. Observed: 2 variant alleles.
Comment: BP4, BP7

Illumina Laboratory Services, Illumina
Classification: Uncertain significance for Factor V and factor VIII, combined deficiency of, type 1. Last evaluated: 2018-01-13. Review status: criteria provided, single submitter. Criteria: ICSL Variant Classification Criteria 13 December 2019. Collection method: clinical testing. Allele origin: germline.

PreventionGenetics, part of Exact Sciences
Classification: Likely benign for LMAN1-related condition. Last evaluated: 2019-07-12. Review status: no assertion criteria provided. Collection method: clinical testing. Allele origin: germline. Not counted in ClinVar's aggregate classification.
Comment: This variant is classified as likely benign based on ACMG/AMP sequence variant interpretation guidelines (Richards et al. 2015 PMID: 25741868, with internal and published modifications).

NM_005570.4(LMAN1):c.1221-4T>C

Gene: LMAN1 (lectin, mannose binding 1; minus strand). Cytogenetic location: 18q21.32.
Variant type: single nucleotide variant.
Coding change: c.1221-4T>C on transcript NM_005570.4 (MANE Select); 4 bases into the intron before coding-DNA position 1221, T replaced by C.
Molecular consequence: intron variant.
Genome position (GRCh38, 1-based): chr18:59,333,248, A>G on the plus strand (T>C on the coding strand, the complement: LMAN1 is on the minus strand). VCF-style: chr18-59333248-A-G. GRCh37 (hg19) VCF-style: chr18-57000480-A-G.
Other names: p.?.
Identifiers: ClinVar variation 327570 (VCV000327570.9), dbSNP rs200829791, ClinGen allele CA8979672.